The following is an entry in ClinVar:

NM_014629.4(ARHGEF10):c.1966C>T (p.Arg656Cys)

Gene: ARHGEF10 (Rho guanine nucleotide exchange factor 10; plus strand). Cytogenetic location: 8p23.3.
Variant type: single nucleotide variant.
Coding change: c.1966C>T on transcript NM_014629.4 (MANE Select); coding-DNA position 1966, C replaced by T.
Protein change: p.Arg656Cys; replaces arginine 656 with cysteine.
Molecular consequence: missense variant.
Genome position (GRCh38, 1-based): chr8:1,905,715, C>T. VCF-style: chr8-1905715-C-T. GRCh37 (hg19) VCF-style: chr8-1853881-C-T.
Other names: c.1852C>T, p.Arg618Cys (NM_001308152.2); c.1966C>T, p.Arg656Cys (NM_001308153.3); short protein forms R656C, R618C, R680C.
Identifiers: ClinVar variation 3678651 (VCV003678651.2).
Genomic context (GRCh38, chr8:1,905,715, plus strand): 5'-ACCAAAGAACGCCGAGTCTTCATGTTAAATGATGTGTTAATGTGTGCCACCGTCAGCTCA[C>T]GGTAAGTGCATAAATTCTCTATAGTAGTCCTACCATCATCACATGTTACCTTTGCCTAAG-3'
Protein context (NP_055444.2, residues 646-666): DVLMCATVSS[Arg656Cys]PSHDSRVMSS

ClinVar aggregate classification (germline): Uncertain significance (1 of 4 stars; one submission).

gnomAD v4.1: 13 of 1,613,476 alleles (0.00081%); highest among the groups gnomAD compares: East Asian, 0.0067%; no homozygotes.

Submission:

Labcorp Genetics (formerly Invitae), Labcorp
Classification: Uncertain significance. Last evaluated: 2024-12-28. Review status: criteria provided, single submitter. Criteria: Invitae Variant Classification Sherloc (09022015). Collection method: clinical testing. Allele origin: germline.
Comment: This sequence change replaces arginine, which is basic and polar, with cysteine, which is neutral and slightly polar, at codon 656 of the ARHGEF10 protein (p.Arg656Cys). This variant is present in population databases (rs775351507, gnomAD 0.006%). This variant has not been reported in the literature in individuals affected with ARHGEF10-related conditions. An algorithm developed to predict the effect of missense changes on protein structure and function (PolyPhen-2) suggests that this variant is likely to be disruptive. In summary, the available evidence is currently insufficient to determine the role of this variant in disease. Therefore, it has been classified as a Variant of Uncertain Significance.